The following is an entry in ClinVar:

NM_002018.4(FLII):c.710G>A (p.Arg237Gln)

Gene: FLII (FLII actin remodeling protein; minus strand). Cytogenetic location: 17p11.2.
Variant type: single nucleotide variant.
Coding change: c.710G>A on transcript NM_002018.4 (MANE Select); coding-DNA position 710, G replaced by A.
Protein change: p.Arg237Gln; replaces arginine 237 with glutamine.
Molecular consequence: missense variant.
Genome position (GRCh38, 1-based): chr17:18,253,689, C>T on the plus strand (G>A on the coding strand, the complement: FLII is on the minus strand). VCF-style: chr17-18253689-C-T. GRCh37 (hg19) VCF-style: chr17-18157003-C-T.
Other names: c.677G>A, p.Arg226Gln (NM_001256264.2); c.548G>A, p.Arg183Gln (NM_001256265.2); short protein forms R237Q, R183Q, R226Q.
Identifiers: ClinVar variation 2521456 (VCV002521456.3), dbSNP rs373517807, ClinGen allele CA8428749.
Genomic context (GRCh38, chr17:18,253,689, plus strand): 5'-TGGTTGCTGCTGAGGTTGAGGCGGCGCAGGCTGGGGAGGGTGTACAGACACTCGGGCACC[C>T]GTGTCAGGTCATTGCAGGACAGATCCACGTCTGGGGTGCAGGGTGGGGTGCATCAGCTGG-3'
Protein context (NP_002009.1, residues 227-247): DVDLSCNDLT[Arg237Gln]VPECLYTLPS

ClinVar aggregate classification (germline): Uncertain significance (1 of 4 stars; one submission).

Allele frequency attached by ClinVar (database versions not stated): gnomAD 0.00004; ExAC 0.00005; TOPMed 0.00005; ESP Exome Variant Server 0.00008.
gnomAD v4.1: 69 of 1,612,936 alleles (0.0043%); highest among the groups gnomAD compares: African/African-American, 0.0053%; no homozygotes.

Submission:

Ambry Genetics
Classification: Uncertain significance. Last evaluated: 2026-01-21. Review status: criteria provided, single submitter. Criteria: Ambry Variant Classification Scheme 2023. Collection method: clinical testing. Allele origin: germline.
Comment: The c.710G>A (p.R237Q) alteration is located in exon 8 (coding exon 8) of the FLII gene. This alteration results from a G to A substitution at nucleotide position 710, causing the arginine (R) at amino acid position 237 to be replaced by a glutamine (Q). Based on data from gnomAD, the A allele has an overall frequency of 0.005% (12/248334) total alleles studied. The highest observed frequency was 0.008% (9/111718) of European (non-Finnish) alleles. Based on insufficient or conflicting evidence, the clinical significance of this alteration remains unclear.